The following is an entry in ClinVar:

ClinVar aggregate classification (germline): Benign/Likely benign. Review status: criteria provided, multiple submitters, no conflicts (2 of 4 stars). 7 submissions from 7 submitters: Benign (1); Likely benign (6). Last evaluated 2025-10-07.

Conditions:
Hereditary nonpolyposis colorectal neoplasms. Identifiers: MedGen C0009405, MeSH D003123.
Hereditary cancer-predisposing syndrome. Also called: Hereditary neoplastic syndrome; Hereditary Cancer Syndrome; Neoplastic Syndromes, Hereditary; Tumor predisposition. Identifiers: Orphanet 140162, MedGen C0027672, MeSH D009386, MONDO:0015356.
Lynch syndrome. Identifiers: Orphanet 144, MedGen C4552100, MONDO:0005835. Disease mechanism: loss of function.
Lynch syndrome 5 (LYNCH5). Also called: Hereditary non-polyposis colorectal cancer, type 5; Colorectal cancer, hereditary nonpolyposis, type 5. Identifiers: Orphanet 144, MedGen C1833477, MONDO:0013710, OMIM 614350. Disease mechanism: loss of function.

Allele frequency attached by ClinVar (database versions not stated): gnomAD exomes below 0.00001 and 0.00001; ExAC 0.00001; gnomAD 0.00001; TOPMed 0.00001; 1000 Genomes Project 30x 0.00016; 1000 Genomes Project 0.00020.
gnomAD v4.1: 3 of 1,614,188 alleles (0.00019%); highest among the groups gnomAD compares: Admixed American, 0.0033%; no homozygotes.

Submissions (7):

Labcorp Genetics (formerly Invitae), Labcorp
Classification: Likely benign for Hereditary nonpolyposis colorectal neoplasms. Last evaluated: 2025-10-07. Review status: criteria provided, single submitter. Criteria: Invitae Variant Classification Sherloc (09022015). Collection method: clinical testing. Allele origin: germline.

Myriad Genetics, Inc.
Classification: Benign for Lynch syndrome 5. Last evaluated: 2025-01-03. Review status: criteria provided, single submitter. Criteria: Myriad Autosomal Dominant, Autosomal Recessive and X-Linked Classification Criteria (2023). Collection method: clinical testing. Allele origin: unknown.
Comment: This variant is considered benign. This variant is a silent/synonymous amino acid change and it is not expected to impact splicing.

All of Us Research Program, National Institutes of Health
Classification: Likely benign for Lynch syndrome. Last evaluated: 2023-09-17. Review status: criteria provided, single submitter. Criteria: ACMG Guidelines, 2015. Collection method: clinical testing. Allele origin: germline. Inheritance: Autosomal dominant inheritance. Observed: 4 variant alleles, 4 heterozygotes.
Comment: This study involves interpretation of variants in research participants for the purpose of population health screening. Participant phenotype was not available at the time of variant classification. Additional details can be found in publication PMID: 35346344, PMCID: PMC8962531

Ambry Genetics
Classification: Likely benign for Hereditary cancer-predisposing syndrome. Last evaluated: 2019-11-27. Review status: criteria provided, single submitter. Criteria: Ambry Variant Classification Scheme 2023. Collection method: clinical testing. Allele origin: germline.

GeneDx
Classification: Likely benign. Last evaluated: 2017-09-10. Review status: criteria provided, single submitter. Criteria: GeneDx Variant Classification (06012015). Collection method: clinical testing. Allele origin: germline. Affected: yes.
Comment: This variant is considered likely benign or benign based on one or more of the following criteria: it is a conservative change, it occurs at a poorly conserved position in the protein, it is predicted to be benign by multiple in silico algorithms, and/or has population frequency not consistent with disease.

PreventionGenetics, part of Exact Sciences
Classification: Likely benign. Last evaluated: 2017-02-17. Review status: criteria provided, single submitter. Criteria: ACMG Guidelines, 2015. Collection method: clinical testing. Allele origin: germline.

Color Diagnostics, LLC DBA Color Health
Classification: Likely benign for Hereditary cancer-predisposing syndrome. Last evaluated: 2016-04-22. Review status: criteria provided, single submitter. Criteria: ACMG Guidelines, 2015. Collection method: clinical testing. Allele origin: germline.

NM_000179.3(MSH6):c.3213T>C (p.Asp1071=)

Gene: MSH6 (mutS homolog 6; plus strand). Cytogenetic location: 2p16.3.
Variant type: single nucleotide variant.
Coding change: c.3213T>C on transcript NM_000179.3 (MANE Select); coding-DNA position 3213, T replaced by C.
Protein change: p.Asp1071=; no amino-acid change (aspartic acid 1071 retained).
Molecular consequence: synonymous variant.
Genome position (GRCh38, 1-based): chr2:47,803,460, T>C. VCF-style: chr2-47803460-T-C. GRCh37 (hg19) VCF-style: chr2-48030599-T-C.
Other names: c.2823T>C, p.Asp941= (NM_001281492.2); c.2307T>C, p.Asp769= (NM_001281493.2, NM_001281494.2).
Identifiers: ClinVar variation 237184 (VCV000237184.19), dbSNP rs534232216, ClinGen allele CA070383.